The following is an entry in ClinVar:

NM_001164508.2(NEB):c.22375-1G>C

Genes: NEB (nebulin; minus strand), RIF1 (replication timing regulatory factor 1; plus strand). Cytogenetic location: 2q23.3.
Variant type: single nucleotide variant.
Coding change: c.22375-1G>C on transcript NM_001164508.2 (MANE Select); the canonical splice acceptor site of the intron before coding-DNA position 22375, G replaced by C.
Molecular consequence: splice acceptor variant.
Genome position (GRCh38, 1-based): chr2:151,524,416, C>G on the plus strand (G>C on the coding strand, the complement: NEB is on the minus strand). VCF-style: chr2-151524416-C-G. GRCh37 (hg19) VCF-style: chr2-152380930-C-G.
Other names: c.17272-1G>C (NM_004543.5); c.22375-1G>C (NM_001164507.2); c.22480-1G>C (NM_001271208.2, NM_001271208.1).
Identifiers: ClinVar variation 2018028 (VCV002018028.5), dbSNP rs949331605, ClinGen allele CA57624776.

ClinVar aggregate classification (germline): Likely pathogenic. Review status: criteria provided, multiple submitters, no conflicts (2 of 4 stars). 2 submissions from 2 submitters: Likely pathogenic (2). Last evaluated 2023-04-15.

Conditions:
Arthrogryposis multiplex congenita 6. Identifiers: MedGen C5543431, MONDO:0030281, OMIM 619334.
Nemaline myopathy 2 (NEM2). Also called: Nemaline myopathy 2, autosomal recessive. Identifiers: MedGen C1850569, MONDO:0009725, OMIM 256030.

gnomAD v4.1: 7 of 1,613,988 alleles (0.00043%); highest among the groups gnomAD compares: Non-Finnish European, 0.00059%; no homozygotes.

Submissions (2):

Labcorp Genetics (formerly Invitae), Labcorp
Classification: Likely pathogenic for Nemaline myopathy 2. Last evaluated: 2023-04-15. Review status: criteria provided, single submitter. Criteria: Invitae Variant Classification Sherloc (09022015). Collection method: clinical testing. Allele origin: germline.
Comment: In summary, the currently available evidence indicates that the variant is pathogenic, but additional data are needed to prove that conclusively. Therefore, this variant has been classified as Likely Pathogenic. Algorithms developed to predict the effect of sequence changes on RNA splicing suggest that this variant may disrupt the consensus splice site. ClinVar contains an entry for this variant (Variation ID: 2018028). This variant has not been reported in the literature in individuals affected with NEB-related conditions. This variant is not present in population databases (gnomAD no frequency). This sequence change affects an acceptor splice site in intron 153 of the NEB gene. It is expected to disrupt RNA splicing. Variants that disrupt the donor or acceptor splice site typically lead to a loss of protein function (PMID: 16199547), and loss-of-function variants in NEB are known to be pathogenic (PMID: 25205138).

Baylor Genetics
Classification: Likely pathogenic for Arthrogryposis multiplex congenita 6. Last evaluated: 2023-04-08. Review status: criteria provided, single submitter. Criteria: ACMG Guidelines, 2015. Collection method: clinical testing. Allele origin: unknown.

Literature cited by the submitters: PubMed 16199547 (cited by Labcorp Genetics (formerly Invitae), Labcorp); PubMed 25205138 (cited by Labcorp Genetics (formerly Invitae), Labcorp).